The following is an entry in ClinVar:

NM_004646.4(NPHS1):c.275-22T>G

Genes: KIRREL2 (kirre like nephrin family adhesion molecule 2; plus strand), NPHS1 (NPHS1 adhesion molecule, nephrin; minus strand). Cytogenetic location: 19q13.12.
Variant type: single nucleotide variant.
Coding change: c.275-22T>G on transcript NM_004646.4 (MANE Select); 22 bases into the intron before coding-DNA position 275, T replaced by G.
Molecular consequence: intron variant.
Genome position (GRCh38, 1-based): chr19:35,851,406, A>C on the plus strand (T>G on the coding strand, the complement: NPHS1 is on the minus strand). VCF-style: chr19-35851406-A-C. GRCh37 (hg19) VCF-style: chr19-36342308-A-C.
Identifiers: ClinVar variation 4849220 (VCV004849220.1).
Genomic context (GRCh38, chr19:35,851,406, plus strand): 5'-CGCTGAGGTCACAGGCCTCGATGTGCAGGTGGAATTCACCTGCAGGGGGAGCCGGAAGTC[A>C]GGGCCGCAGCTTCCGCTGGTGGCTGAGGGTCTCAGGCTCTGATCCCTTACCTCTAGCAGG-3'

ClinVar aggregate classification (germline): Uncertain significance (1 of 4 stars; one submission).

Conditions:
Finnish congenital nephrotic syndrome (NPHS1). Also called: NEPHROTIC SYNDROME, TYPE 1. Identifiers: Orphanet 839, MedGen C0403399, MONDO:0009732, OMIM 256300.

Submission:

MVZ Medizinische Genetik Mainz
Classification: Uncertain significance for Finnish congenital nephrotic syndrome. Last evaluated: 2026-03-17. Review status: criteria provided, single submitter. Criteria: UK Practice Guidelines For Variant Classification V4 01 2020. Collection method: clinical testing. Allele origin: germline. Inheritance: Autosomal recessive inheritance. Affected: yes. Observed: 1 variant allele.
Comment: ACMG Criteria: PM2_SUP,PM3_SUP,PP4